The following is an entry in ClinVar:

ClinVar aggregate classification (germline): Uncertain significance (1 of 4 stars; one submission).

Allele frequency attached by ClinVar (database versions not stated): gnomAD 0.00001.
gnomAD v4.1: 1 of 1,613,952 alleles (0.000062%); highest among the groups gnomAD compares: Admixed American, 0.0017%; no homozygotes.

Submission:

Labcorp Genetics (formerly Invitae), Labcorp
Classification: Uncertain significance. Last evaluated: 2022-05-05. Review status: criteria provided, single submitter. Criteria: Invitae Variant Classification Sherloc (09022015). Collection method: clinical testing. Allele origin: germline.
Comment: In summary, the available evidence is currently insufficient to determine the role of this variant in disease. Therefore, it has been classified as a Variant of Uncertain Significance. Algorithms developed to predict the effect of missense changes on protein structure and function (SIFT, PolyPhen-2, Align-GVGD) all suggest that this variant is likely to be disruptive. This variant has not been reported in the literature in individuals affected with LAMB1-related conditions. This variant is not present in population databases (gnomAD no frequency). This sequence change replaces proline, which is neutral and non-polar, with threonine, which is neutral and polar, at codon 648 of the LAMB1 protein (p.Pro648Thr).

NM_002291.3(LAMB1):c.1942C>A (p.Pro648Thr)

Gene: LAMB1 (laminin subunit beta 1; minus strand). Cytogenetic location: 7q31.1.
Variant type: single nucleotide variant.
Coding change: c.1942C>A on transcript NM_002291.3 (MANE Select); coding-DNA position 1942, C replaced by A.
Protein change: p.Pro648Thr; replaces proline 648 with threonine.
Molecular consequence: missense variant.
Genome position (GRCh38, 1-based): chr7:107,961,592, G>T on the plus strand (C>A on the coding strand, the complement: LAMB1 is on the minus strand). VCF-style: chr7-107961592-G-T. GRCh37 (hg19) VCF-style: chr7-107602037-G-T.
Other names: short protein forms P648T.
Identifiers: ClinVar variation 2134106 (VCV002134106.4), dbSNP rs2033502766, ClinGen allele CA368869914.
Genomic context (GRCh38, chr7:107,961,592, plus strand): 5'-ACCACCGTCACACTGACCTTGAGCCTGGTGATAATGACACCACCTGGTTGTCATCATCGG[G>T]GATGGTATTACCACATCGGCTGCTGGTTGGAATCCTTCCAGGTCGCTGCACTGTGATGAC-3'
Protein context (NP_002282.2, residues 638-658): PTSSRCGNTI[Pro648Thr]DDDNQVVSLS